The following is an entry in ClinVar:

ClinVar aggregate classification (germline): Conflicting classifications of pathogenicity. Review status: criteria provided, conflicting classifications (1 of 4 stars). 8 submissions from 8 submitters: Pathogenic (1); Likely pathogenic (3); Uncertain significance (4). Last evaluated 2025-12-31.

Conditions:
Cardiovascular phenotype. Identifiers: MedGen CN230736.
Cardiomyopathy (CMYO). Also called: Cardiomyopathies. Identifiers: Orphanet 167848, MedGen C0878544, MONDO:0004994, HP:0001638. Inheritance: Various modes of inheritance.
Hypertrophic cardiomyopathy 1 (CMH1). Also called: Familial hypertrophic cardiomyopathy 1; MYH7-Related Familial Hypertrophic Cardiomyopathy. Identifiers: MedGen C3495498, MONDO:0008647, OMIM 192600.
Dilated cardiomyopathy 1S (CMD1S). Identifiers: Orphanet 154, Orphanet 54260, MedGen C1834481, MONDO:0013262, OMIM 613426.
Hypertrophic cardiomyopathy. Also called: HYPERTROPHIC MYOCARDIOPATHY. Identifiers: Orphanet 217569, MedGen C0007194, MeSH D002312, MONDO:0005045, HP:0001639.

Allele frequency attached by ClinVar (database versions not stated): gnomAD exomes below 0.00001.
gnomAD v4.1: 6 of 1,612,392 alleles (0.00037%); highest among the groups gnomAD compares: Non-Finnish European, 0.00042%; no homozygotes.

Submissions (8):

Labcorp Genetics (formerly Invitae), Labcorp
Classification: Pathogenic for Hypertrophic cardiomyopathy. Last evaluated: 2025-12-31. Review status: criteria provided, single submitter. Criteria: Invitae Variant Classification Sherloc (09022015). Collection method: clinical testing. Allele origin: germline.
Comment: This sequence change replaces arginine, which is basic and polar, with cysteine, which is neutral and slightly polar, at codon 1434 of the MYH7 protein (p.Arg1434Cys). This variant is not present in population databases (gnomAD no frequency). This missense change has been observed in individuals with hypertrophic cardiomyopathy and dilated cardiomyopathy (PMID: 21750094, 24119082, 27532257; internal data). ClinVar contains an entry for this variant (Variation ID: 181254). Invitae Evidence Modeling of protein sequence and biophysical properties (such as structural, functional, and spatial information, amino acid conservation, physicochemical variation, residue mobility, and thermodynamic stability) indicates that this missense variant is expected to disrupt MYH7 protein function with a positive predictive value of 95%. For these reasons, this variant has been classified as Pathogenic.

Victorian Clinical Genetics Services, Murdoch Childrens Research Institute
Classification: Likely pathogenic for Dilated cardiomyopathy 1S. Last evaluated: 2025-12-09. Review status: criteria provided, single submitter. Criteria: ACMG Guidelines, 2015. Collection method: clinical testing. Allele origin: germline. Affected: yes.
Comment: This variant is classified as Likely pathogenic. Evidence in support of pathogenic classification: Variant is absent from gnomAD (both v2 and v3); This variant has strong previous evidence of pathogenicity in unrelated individuals. This variant has been classified as pathogenic, likely pathogenic and as a VUS by clinical laboratories in ClinVar. It has also been reported in the literature in individuals with dilated cardiomyopathy and in one individual with hypertrophic cardiomyopathy (ClinVar personal communication, LOVD, PMIDs: 21750094, 24119082), as well as in individuals without a clear cardiac phenotype (Invitae, PMID: 28717666); Other missense variants comparable to the one identified in this case have limited previous evidence for pathogenicity. p.(Arg1434Gly) and p.(Arg1434Pro) have been classified as likely pathogenic by clinical laboratories in ClinVar, and the latter has been reported in an individual with Liang distal myopathy (PMID: 27519903). Other changes have also been classified in ClinVar: p.(Arg1434His) as both likely pathogenic and as a VUS, and p.(Arg1434Leu) as a VUS. - Missense variant consistently predicted to be damaging by multiple in silico tools or highly conserved with a major amino acid change. Additional information: Variant is predicted to result in a missense amino acid change from arginine to cysteine; This variant is heterozygous; This gene is associated with both recessive and dominant disease. Disease associated with this gene usually has autosomal dominant inheritance; however, a recessive inheritance pattern has been observed in severe cases (OMIM); An alternative amino acid change at the same position has been observed in gnomAD (v2, v3) (3 heterozygotes, 0 homozygotes); Variant is located in the annotated myosin tail domain (DECIPHER); The mechanism of disease for this gene is not clearly established, however, missense variants have been proposed to act in a dominant negative manner (PMID: 24714796); The condition associated with this gene has incomplete penetrance (PMID: 29300372); Inheritance information for this variant is not currently available in this individual.

Color Diagnostics, LLC DBA Color Health
Classification: Uncertain significance for Cardiomyopathy. Last evaluated: 2025-06-02. Review status: criteria provided, single submitter. Criteria: ACMG Guidelines, 2015. Collection method: clinical testing. Allele origin: germline.
Comment: This missense variant replaces arginine with cysteine at codon 1434 of the MYH7 protein. Computational prediction suggests that this variant may have a deleterious impact on protein structure and function. To our knowledge, functional studies have not been reported for this variant. This variant has been reported in at least six individuals affected with dilated cardiomyopathy (PMID: 21750094, 24119082, 27532257, 28416588, 39494569ClinVar SCV000546182.10) and in an individual affected with hypertrophic cardiomyopathy (PMID: 21750094). This variant has not been identified in the general population by the Genome Aggregation Database (gnomAD). The available evidence is insufficient to determine the role of this variant in disease conclusively. Therefore, this variant is classified as a Variant of Uncertain Significance.

All of Us Research Program, National Institutes of Health
Classification: Uncertain significance for Cardiomyopathy. Last evaluated: 2024-08-06. Review status: criteria provided, single submitter. Criteria: ACMG Guidelines, 2015. Collection method: clinical testing. Allele origin: germline. Inheritance: Autosomal dominant inheritance. Observed: 2 variant alleles, 2 heterozygotes.
Comment: This study involves interpretation of variants in research participants for the purpose of population health screening. Participant phenotype was not available at the time of variant classification. Additional details can be found in publication PMID: 35346344, PMCID: PMC8962531

GeneDx
Classification: Uncertain significance. Last evaluated: 2024-07-22. Review status: criteria provided, single submitter. Criteria: GeneDx Variant Classification Process June 2021. Collection method: clinical testing. Allele origin: germline. Affected: yes.
Comment: This variant has been reported in association with DCM and HCM in the published literature (PMID: 27532257, 28416588, 24119082, 21750094, 31514951, 34542152, 37652022, 36396199); Not observed at significant frequency in large population cohorts (gnomAD); In silico analysis supports that this missense variant has a deleterious effect on protein structure/function; This variant is associated with the following publications: (PMID: 28416588, 24119082, 21750094, 31514951, 37602753, 34542152, 27532257, 36396199, 37652022)

3billion
Classification: Likely pathogenic for Hypertrophic cardiomyopathy 1. Last evaluated: 2024-06-20. Review status: criteria provided, single submitter. Criteria: ACMG Guidelines, 2015. Collection method: clinical testing. Allele origin: germline. Affected: yes.
Comment: The variant is observed at an extremely low frequency in the gnomAD v4.0.0 dataset (total allele frequency: <0.001%). Predicted Consequence/Location: Missense variant In silico tool predictions suggest damaging effect of the variant on gene or gene product [REVEL: 0.89 (>=0.6, sensitivity 0.68 and specificity 0.92)]. The same nucleotide change resulting in the same amino acid change has been previously reported to be associated with MYH7 related disorder (ClinVar ID: VCV000181254 /PMID: 21750094). Different missense changes at the same codon (p.Arg1434Gly, p.Arg1434His, p.Arg1434Pro) have been reported as pathogenic/likely pathogenic with strong evidence (ClinVar ID: VCV000835759, VCV000927214, VCV001008293 /PMID: 27519903). Therefore, this variant is classified as Likely pathogenic according to the recommendation of ACMG/AMP guideline.

Ambry Genetics
Classification: Uncertain significance for Cardiovascular phenotype. Last evaluated: 2023-11-18. Review status: criteria provided, single submitter. Criteria: Ambry Variant Classification Scheme 2023. Collection method: clinical testing. Allele origin: germline.
Comment: The p.R1434C variant (also known as c.4300C>T), located in coding exon 29 of the MYH7 gene, results from a C to T substitution at nucleotide position 4300. The arginine at codon 1434 is replaced by cysteine, an amino acid with highly dissimilar properties. This alteration has been reported in dilated cardiomyopathy (DCM) cohorts; however, clinical details were limited (Waldm&uuml;ller S et al. Eur J Heart Fail, 2011 Nov;13:1185-92; Merlo M et al. Clin Transl Sci, 2013 Dec;6:424-8; Walsh R et al. Genet Med, 2017 Feb;19:192-203). This amino acid position is highly conserved in available vertebrate species. In addition, this alteration is predicted to be deleterious by in silico analysis. Since supporting evidence is limited at this time, the clinical significance of this alteration remains unclear.

Revvity Omics, Revvity
Classification: Likely pathogenic. Last evaluated: 2023-06-14. Review status: criteria provided, single submitter. Criteria: ACMG Guidelines, 2015. Collection method: clinical testing. Allele origin: germline.

Literature cited by the submitters: PubMed 21750094 (cited by 5 submitters); PubMed 24119082 (cited by 4 submitters); PubMed 27532257 (cited by 3 submitters); PubMed 29300372 (cited by Victorian Clinical Genetics Services, Murdoch Childrens Research Institute); PubMed 27519903 (cited by Victorian Clinical Genetics Services, Murdoch Childrens Research Institute and 3billion); PubMed 24714796 (cited by Victorian Clinical Genetics Services, Murdoch Childrens Research Institute); PubMed 28717666 (cited by Victorian Clinical Genetics Services, Murdoch Childrens Research Institute); PubMed 28416588 (cited by Color Diagnostics, LLC DBA Color Health); PubMed 39494569 (cited by Color Diagnostics, LLC DBA Color Health).

NM_000257.4(MYH7):c.4300C>T (p.Arg1434Cys)

Genes: MHRT (myosin heavy chain associated RNA transcript; plus strand), MYH7 (myosin heavy chain 7; minus strand). Cytogenetic location: 14q11.2.
Variant type: single nucleotide variant.
Coding change: c.4300C>T on transcript NM_000257.4 (MANE Select); coding-DNA position 4300, C replaced by T.
Protein change: p.Arg1434Cys; replaces arginine 1434 with cysteine.
Molecular consequence: missense variant. On other transcripts: non-coding transcript variant (1).
Genome position (GRCh38, 1-based): chr14:23,417,556, G>A on the plus strand (C>T on the coding strand, the complement: MYH7 is on the minus strand). VCF-style: chr14-23417556-G-A. GRCh37 (hg19) VCF-style: chr14-23886765-G-A.
Other names: p.R1434C:CGC>TGC; c.4300C>T (LRG_384t1); short protein forms R1434C.
Identifiers: ClinVar variation 181254 (VCV000181254.24), dbSNP rs730880800, ClinGen allele CA014792.